The following is an entry in ClinVar:

NM_003038.5(SLC1A4):c.917T>C (p.Val306Ala)

Gene: SLC1A4 (solute carrier family 1 member 4; plus strand). Cytogenetic location: 2p14.
Variant type: single nucleotide variant.
Coding change: c.917T>C on transcript NM_003038.5 (MANE Select); coding-DNA position 917, T replaced by C.
Protein change: p.Val306Ala; replaces valine 306 with alanine.
Molecular consequence: missense variant. On other transcripts: intron variant (1).
Genome position (GRCh38, 1-based): chr2:65,016,556, T>C. VCF-style: chr2-65016556-T-C. GRCh37 (hg19) VCF-style: chr2-65243690-T-C.
Other names: c.257T>C, p.Val86Ala (NM_001348406.2, NM_001348407.2); c.141-1515T>C (NM_001193493.2); short protein forms V306A, V86A.
Identifiers: ClinVar variation 2443263 (VCV002443263.2), dbSNP rs2528576297, ClinGen allele CA347008617.

ClinVar aggregate classification (germline): Uncertain significance (0 of 4 stars; one submission).

Allele frequency attached by ClinVar (database versions not stated): gnomAD exomes below 0.00001.
gnomAD v4.1: 2 of 1,614,038 alleles (0.00012%); highest among the groups gnomAD compares: Non-Finnish European, 0.00017%; no homozygotes.

Submission:

Genetic Services Laboratory, University of Chicago
Classification: Uncertain significance. Last evaluated: 2022-05-18. Review status: no assertion criteria provided. Collection method: clinical testing. Allele origin: germline. Affected: no.
Comment: DNA sequence analysis of the SLC1A4 gene demonstrated a sequence change, c.917T>C, in exon 5 that results in an amino acid change, p.Val306Ala. This sequence change does not appear to have been previously described in individuals with SLC1A4-related disorders and has also not been described in population databases such as ExAC and gnomAD. The p.Val306Ala change affects a moderately conserved amino acid residue located in a domain of the SLC1A4 protein that is known to be functional. In-silico pathogenicity prediction tools (SIFT, PolyPhen2, Align GVGD, REVEL) provide contradictory results for the p.Val306Ala substitution. Due to insufficient evidences and the lack of functional studies, the clinical significance of the p.Val306Ala change remains unknown at this time.